The following is an entry in ClinVar:

NM_000334.4(SCN4A):c.2650G>A (p.Glu884Lys)

Genes: GH-LCR (growth hormone locus control region; plus strand), SCN4A (sodium voltage-gated channel alpha subunit 4; minus strand). Cytogenetic location: 17q23.3.
Variant type: single nucleotide variant.
Coding change: c.2650G>A on transcript NM_000334.4 (MANE Select); coding-DNA position 2650, G replaced by A.
Protein change: p.Glu884Lys; replaces glutamic acid 884 with lysine.
Molecular consequence: missense variant.
Genome position (GRCh38, 1-based): chr17:63,951,627, C>T on the plus strand (G>A on the coding strand, the complement: SCN4A is on the minus strand). VCF-style: chr17-63951627-C-T. GRCh37 (hg19) VCF-style: chr17-62028987-C-T.
Other names: short protein forms E884K.
Identifiers: ClinVar variation 1023514 (VCV001023514.18), dbSNP rs780708338, ClinGen allele CA8709534.

ClinVar aggregate classification (germline): Uncertain significance. Review status: criteria provided, multiple submitters, no conflicts (2 of 4 stars). 2 submissions from 2 submitters: Uncertain significance (2). Last evaluated 2023-09-08.

Conditions:
Potassium-aggravated myotonia. Also called: Myotonia congenita, atypical, acetazolamide-responsive; MYOTONIA CONGENITA, ACETAZOLAMIDE-RESPONSIVE; MYOTONIA CONGENITA, ATYPICAL; SODIUM CHANNEL MUSCLE DISEASE. Identifiers: Orphanet 612, Orphanet 99734, Orphanet 99735, Orphanet 99736, MedGen C2931826, MONDO:0018959, OMIM 608390.
Congenital myasthenic syndrome 16. Identifiers: Orphanet 590, MedGen C3280112, MONDO:0013620, OMIM 614198.
Paramyotonia congenita of Von Eulenburg. Also called: Paramyotonia Congenita; PARALYSIS PERIODICA PARAMYOTONICA; Eulenburg disease; Myotonia congenita intermittens; Von Eulenburg paramyotonia congenita. Identifiers: Orphanet 684, MedGen C0221055, MONDO:0008195, OMIM 168300. Disease mechanism: loss of function.
Hypokalemic periodic paralysis, type 2 (HOKPP2). Identifiers: Orphanet 681, MedGen C2750061, MONDO:0013234, OMIM 613345.
Hypokalemic periodic paralysis, type 1. Also called: Hypokalemic Periodic Paralysis Type 1 (AD); HypoPP. Identifiers: Orphanet 681, MedGen C3714580, MONDO:0042979, OMIM 170400.
Hyperkalemic periodic paralysis. Also called: Familial hyperkalemic periodic paralysis; Gamstorp disease. Identifiers: Orphanet 682, MedGen C0238357, MONDO:0008224, OMIM 170500, HP:0007215.

Allele frequency attached by ClinVar (database versions not stated): ExAC 0.00001; gnomAD 0.00002; TOPMed 0.00001; gnomAD exomes 0.00002.
gnomAD v4.1: 28 of 1,612,900 alleles (0.0017%); highest among the groups gnomAD compares: Middle Eastern, 0.016%; no homozygotes.

Submissions (2):

Labcorp Genetics (formerly Invitae), Labcorp
Classification: Uncertain significance for Hyperkalemic periodic paralysis. Last evaluated: 2023-09-08. Review status: criteria provided, single submitter. Criteria: Invitae Variant Classification Sherloc (09022015). Collection method: clinical testing. Allele origin: germline.
Comment: This variant has not been reported in the literature in individuals affected with SCN4A-related conditions. This variant is present in population databases (rs780708338, gnomAD 0.003%). This sequence change replaces glutamic acid, which is acidic and polar, with lysine, which is basic and polar, at codon 884 of the SCN4A protein (p.Glu884Lys). ClinVar contains an entry for this variant (Variation ID: 1023514). In summary, the available evidence is currently insufficient to determine the role of this variant in disease. Therefore, it has been classified as a Variant of Uncertain Significance. Advanced modeling of protein sequence and biophysical properties (such as structural, functional, and spatial information, amino acid conservation, physicochemical variation, residue mobility, and thermodynamic stability) performed at Invitae indicates that this missense variant is not expected to disrupt SCN4A protein function.

Fulgent Genetics
Classification: Uncertain significance for Paramyotonia congenita of Von Eulenburg; Hypokalemic periodic paralysis, type 1; Hyperkalemic periodic paralysis; Potassium-aggravated myotonia; Hypokalemic periodic paralysis, type 2; Congenital myasthenic syndrome 16. Last evaluated: 2022-04-01. Review status: criteria provided, single submitter. Criteria: ACMG Guidelines, 2015. Collection method: clinical testing. Allele origin: unknown.